The following is an entry in ClinVar:

ClinVar aggregate classification (germline): Likely benign (1 of 4 stars; one submission).

Conditions:
PLEC-related disorder. Also called: PLEC-related disorders; PLEC-related condition.

Submission:

PreventionGenetics, part of Exact Sciences
Classification: Likely benign for PLEC-related condition. Last evaluated: 2026-08-14. Review status: criteria provided, single submitter. Criteria: ACMG Guidelines, 2015. Collection method: clinical testing. Allele origin: germline.
Comment: This variant is classified as likely benign based on ACMG/AMP sequence variant interpretation guidelines (Richards et al. 2015 PMID: 25741868, with internal and published modifications).

NM_201384.3(PLEC):c.7194C>A (p.Arg2398=)

Gene: PLEC (plectin; minus strand). Cytogenetic location: 8q24.3.
Variant type: single nucleotide variant.
Coding change: c.7194C>A on transcript NM_201384.3 (MANE Select); coding-DNA position 7194, C replaced by A.
Protein change: p.Arg2398=; no amino-acid change (arginine 2398 retained).
Molecular consequence: synonymous variant. On other transcripts: intron variant (1).
Genome position (GRCh38, 1-based): chr8:143,922,735, G>T on the plus strand (C>A on the coding strand, the complement: PLEC is on the minus strand). VCF-style: chr8-143922735-G-T. GRCh37 (hg19) VCF-style: chr8-144996903-G-T.
Other names: c.7275C>A, p.Arg2425= (NM_000445.5); c.7152C>A, p.Arg2384= (NM_201378.4); c.7128C>A, p.Arg2376= (NM_201379.3); c.7605C>A, p.Arg2535= (NM_201380.4); c.7098C>A, p.Arg2366= (NM_201381.3); c.7194C>A, p.Arg2398= (NM_201382.4); c.7206C>A, p.Arg2402= (NM_201383.3); c.4126-340C>A (NM_001410941.1).
Identifiers: ClinVar variation 5000425 (VCV005000425.1).
Genomic context (GRCh38, chr8:143,922,735, plus strand): 5'-GTGCAGCTTCTCACCGATCTCCTCCGCCTGCTTCCGGAAGCGCTGGGCGTCCTCCTCAGC[G>T]CGGGCCTGGGCTCGGCTCATCTCGGCCACACGCAGCTTGAGGCGCTCAGCCTCAGCGCTC-3'
Protein context (NP_958786.1, residues 2388-2408): RVAEMSRAQA[Arg2398=]AEEDAQRFRK